The following is an entry in ClinVar:

ClinVar aggregate classification (germline): Pathogenic (1 of 4 stars; one submission).

Submission:

GeneDx
Classification: Pathogenic. Last evaluated: 2023-01-27. Review status: criteria provided, single submitter. Criteria: GeneDx Variant Classification Process June 2021. Collection method: clinical testing. Allele origin: germline. Affected: yes.
Comment: Not observed at significant frequency in large population cohorts (gnomAD); In silico analysis supports that this missense variant has a deleterious effect on protein structure/function; Missense variants in this gene are often considered pathogenic (HGMD); This variant is associated with the following publications: (PMID: 35401677, 31898838)

NM_001101.5(ACTB):c.905G>C (p.Gly302Ala)

Gene: ACTB (actin beta; minus strand). Cytogenetic location: 7p22.1.
Variant type: single nucleotide variant.
Coding change: c.905G>C on transcript NM_001101.5 (MANE Select); coding-DNA position 905, G replaced by C.
Protein change: p.Gly302Ala; replaces glycine 302 with alanine.
Molecular consequence: missense variant.
Genome position (GRCh38, 1-based): chr7:5,528,083, C>G on the plus strand (G>C on the coding strand, the complement: ACTB is on the minus strand). VCF-style: chr7-5528083-C-G. GRCh37 (hg19) VCF-style: chr7-5567714-C-G.
Other names: short protein forms G302A.
Identifiers: ClinVar variation 2574241 (VCV002574241.1), dbSNP rs2533846592, ClinGen allele CA366700140.